The following is an entry in ClinVar:

ClinVar aggregate classification (germline): Uncertain significance (1 of 4 stars; one submission).

Conditions:
Neurodevelopmental disorder with or without hyperkinetic movements and seizures, autosomal dominant. Also called: Intellectual disability, autosomal dominant 8. Identifiers: MedGen C3280282, MONDO:0013655, OMIM 614254.

Submission:

Labcorp Genetics (formerly Invitae), Labcorp
Classification: Uncertain significance for Neurodevelopmental disorder with or without hyperkinetic movements and seizures, autosomal dominant. Last evaluated: 2024-09-04. Review status: criteria provided, single submitter. Criteria: Invitae Variant Classification Sherloc (09022015). Collection method: clinical testing. Allele origin: germline.
Comment: This sequence change falls in intron 6 of the GRIN1 gene. It does not directly change the encoded amino acid sequence of the GRIN1 protein. Information on the frequency of this variant in the gnomAD database is not available, as this variant may be reported differently in the database. This variant has not been reported in the literature in individuals affected with GRIN1-related conditions. Experimental studies and prediction algorithms are not available or were not evaluated, and the effect of this variant on mRNA splicing is currently unknown. In summary, the available evidence is currently insufficient to determine the role of this variant in disease. Therefore, it has been classified as a Variant of Uncertain Significance.

NM_007327.4(GRIN1):c.968+19_968+20delinsAG

Gene: GRIN1 (glutamate ionotropic receptor NMDA type subunit 1; plus strand). Cytogenetic location: 9q34.3.
Variant type: Indel.
Coding change: c.968+19_968+20delinsAG on transcript NM_007327.4 (MANE Select); bases 19 to 20 of the intron after coding-DNA position 968, GA replaced by AG.
Molecular consequence: intron variant.
Genome position (GRCh38, 1-based): chr9:137,157,056-137,157,057, GA replaced by AG. VCF-style: chr9-137157056-GA-AG. GRCh37 (hg19) VCF-style: chr9-140051508-GA-AG.
Other names: c.1031+19_1031+20delinsAG (NM_001185090.2, NM_001185091.2); c.968+19_968+20delinsAG (NM_021569.4, NM_000832.7).
Identifiers: ClinVar variation 3605189 (VCV003605189.2).